The following is an entry in ClinVar:

ClinVar aggregate classification (germline): Likely benign. Review status: criteria provided, multiple submitters, no conflicts (2 of 4 stars). 2 submissions from 2 submitters: Likely benign (2). Last evaluated 2024-12-03.

Conditions:
MOCOS-related disorder. Also called: MOCOS-related condition.
Xanthinuria type II. Also called: Xanthine dehydrogenase and aldehyde oxidase combined deficiency of; XDH and AOX dual deficiency. Identifiers: Orphanet 3467, Orphanet 93602, MedGen C1863688, MONDO:0011346, OMIM 603592.

gnomAD v4.1: 62 of 1,613,952 alleles (0.0038%); highest among the groups gnomAD compares: Non-Finnish European, 0.005%; no homozygotes.

Submissions (2):

PreventionGenetics, part of Exact Sciences
Classification: Likely benign for MOCOS-related condition. Last evaluated: 2024-12-03. Review status: criteria provided, single submitter. Criteria: ACMG Guidelines, 2015. Collection method: clinical testing. Allele origin: germline.
Comment: This variant is classified as likely benign based on ACMG/AMP sequence variant interpretation guidelines (Richards et al. 2015 PMID: 25741868, with internal and published modifications).

Labcorp Genetics (formerly Invitae), Labcorp
Classification: Likely benign for Xanthinuria type II. Last evaluated: 2024-08-27. Review status: criteria provided, single submitter. Criteria: Invitae Variant Classification Sherloc (09022015). Collection method: clinical testing. Allele origin: germline.

NM_017947.4(MOCOS):c.2109T>C (p.His703=)

Gene: MOCOS (molybdenum cofactor sulfurase; plus strand). Cytogenetic location: 18q12.2.
Variant type: single nucleotide variant.
Coding change: c.2109T>C on transcript NM_017947.4 (MANE Select); coding-DNA position 2109, T replaced by C.
Protein change: p.His703=; no amino-acid change (histidine 703 retained).
Molecular consequence: synonymous variant.
Genome position (GRCh38, 1-based): chr18:36,251,228, T>C. VCF-style: chr18-36251228-T-C. GRCh37 (hg19) VCF-style: chr18-33831191-T-C.
Other names: c.2109T>C (NM_017947.2).
Identifiers: ClinVar variation 3707965 (VCV003707965.3).